The following is an entry in ClinVar:

NM_001364905.1(LRBA):c.2588G>A (p.Cys863Tyr)

Gene: LRBA (LPS responsive beige-like anchor protein; minus strand). Cytogenetic location: 4q31.3.
Variant type: single nucleotide variant.
Coding change: c.2588G>A on transcript NM_001364905.1 (MANE Select); coding-DNA position 2588, G replaced by A.
Protein change: p.Cys863Tyr; replaces cysteine 863 with tyrosine.
Molecular consequence: missense variant.
Genome position (GRCh38, 1-based): chr4:150,867,849, C>T on the plus strand (G>A on the coding strand, the complement: LRBA is on the minus strand). VCF-style: chr4-150867849-C-T. GRCh37 (hg19) VCF-style: chr4-151789001-C-T.
Other names: c.2588G>A, p.Cys863Tyr (NM_001199282.3, NM_001367550.1, NM_006726.5); short protein forms C863Y.
Identifiers: ClinVar variation 940771 (VCV000940771.8), dbSNP rs1752922240, ClinGen allele CA358464982.

ClinVar aggregate classification (germline): Uncertain significance (1 of 4 stars; one submission).

Conditions:
Combined immunodeficiency due to LRBA deficiency. Also called: Common variable immunodeficiency 8, with autoimmunity. Identifiers: Orphanet 445018, MedGen C3553512, MONDO:0013863, OMIM 614700.

Submission:

Labcorp Genetics (formerly Invitae), Labcorp
Classification: Uncertain significance for Combined immunodeficiency due to LRBA deficiency. Last evaluated: 2023-08-04. Review status: criteria provided, single submitter. Criteria: Invitae Variant Classification Sherloc (09022015). Collection method: clinical testing. Allele origin: germline.
Comment: This sequence change replaces cysteine, which is neutral and slightly polar, with tyrosine, which is neutral and polar, at codon 863 of the LRBA protein (p.Cys863Tyr). In summary, the available evidence is currently insufficient to determine the role of this variant in disease. Therefore, it has been classified as a Variant of Uncertain Significance. Advanced modeling of protein sequence and biophysical properties (such as structural, functional, and spatial information, amino acid conservation, physicochemical variation, residue mobility, and thermodynamic stability) has been performed at Invitae for this missense variant, however the output from this modeling did not meet the statistical confidence thresholds required to predict the impact of this variant on LRBA protein function. ClinVar contains an entry for this variant (Variation ID: 940771). This variant has not been reported in the literature in individuals affected with LRBA-related conditions. This variant is not present in population databases (gnomAD no frequency).